The following is an entry in ClinVar:

NM_002860.4(ALDH18A1):c.2090A>T (p.Asp697Val)

Gene: ALDH18A1 (aldehyde dehydrogenase 18 family member A1; minus strand). Cytogenetic location: 10q24.1.
Variant type: single nucleotide variant.
Coding change: c.2090A>T on transcript NM_002860.4 (MANE Select); coding-DNA position 2090, A replaced by T.
Protein change: p.Asp697Val; replaces aspartic acid 697 with valine.
Molecular consequence: missense variant.
Genome position (GRCh38, 1-based): chr10:95,611,276, T>A on the plus strand (A>T on the coding strand, the complement: ALDH18A1 is on the minus strand). VCF-style: chr10-95611276-T-A. GRCh37 (hg19) VCF-style: chr10-97371033-T-A.
Other names: c.2084A>T, p.Asp695Val (NM_001017423.2, NM_001323415.2); c.1757A>T, p.Asp586Val (NM_001323412.2, NM_001323416.2); c.2090A>T, p.Asp697Val (NM_001323413.2, NM_001323414.2); c.1985A>T, p.Asp662Val (NM_001323417.2); c.1751A>T, p.Asp584Val (NM_001323418.2); c.1454A>T, p.Asp485Val (NM_001323419.2); short protein forms D485V, D584V, D586V, D662V, D695V, D697V.
Identifiers: ClinVar variation 3753393 (VCV003753393.2).

ClinVar aggregate classification (germline): Uncertain significance (1 of 4 stars; one submission).

Conditions:
Cutis laxa, autosomal dominant 3 (ADCL3). Identifiers: Orphanet 90348, MedGen C4225268, MONDO:0014706, OMIM 616603.
Autosomal dominant spastic paraplegia type 9. Identifiers: MedGen C1832669, MONDO:0015091.
de Barsy syndrome. Also called: Cutis laxa-corneal clouding-oligophrenia syndrome. Identifiers: Orphanet 2962, MedGen C0268354, MONDO:0017569.

Submission:

Labcorp Genetics (formerly Invitae), Labcorp
Classification: Uncertain significance for Autosomal dominant spastic paraplegia type 9; de Barsy syndrome; Cutis laxa, autosomal dominant 3. Last evaluated: 2024-07-23. Review status: criteria provided, single submitter. Criteria: Invitae Variant Classification Sherloc (09022015). Collection method: clinical testing. Allele origin: germline.
Comment: This sequence change replaces aspartic acid, which is acidic and polar, with valine, which is neutral and non-polar, at codon 697 of the ALDH18A1 protein (p.Asp697Val). This variant is not present in population databases (gnomAD no frequency). This variant has not been reported in the literature in individuals affected with ALDH18A1-related conditions. Advanced modeling of protein sequence and biophysical properties (such as structural, functional, and spatial information, amino acid conservation, physicochemical variation, residue mobility, and thermodynamic stability) has been performed at Invitae for this missense variant, however the output from this modeling did not meet the statistical confidence thresholds required to predict the impact of this variant on ALDH18A1 protein function. In summary, the available evidence is currently insufficient to determine the role of this variant in disease. Therefore, it has been classified as a Variant of Uncertain Significance.